The following is an entry in ClinVar:

NM_001365536.1(SCN9A):c.1528A>T (p.Arg510Ter)

Genes: SCN1A-AS1 (SCN1A and SCN9A antisense RNA 1; plus strand), SCN9A (sodium voltage-gated channel alpha subunit 9; minus strand). Cytogenetic location: 2q24.3.
Variant type: single nucleotide variant.
Coding change: c.1528A>T on transcript NM_001365536.1 (MANE Select); coding-DNA position 1528, A replaced by T.
Protein change: p.Arg510Ter; replaces arginine 510 with a stop codon.
Molecular consequence: nonsense.
Genome position (GRCh38, 1-based): chr2:166,286,410, T>A on the plus strand (A>T on the coding strand, the complement: SCN9A is on the minus strand). VCF-style: chr2-166286410-T-A. GRCh37 (hg19) VCF-style: chr2-167142920-T-A.
Other names: c.1528A>T, p.Arg510Ter (NM_002977.4); short protein forms R510*.
Identifiers: ClinVar variation 2930324 (VCV002930324.3), dbSNP rs1553490323, ClinGen allele CA349084492.

ClinVar aggregate classification (germline): Pathogenic (1 of 4 stars; one submission).

Conditions:
Neuropathy, hereditary sensory and autonomic, type 2A (HSAN2A). Also called: ACROOSTEOLYSIS, GIACCAI TYPE; ACROOSTEOLYSIS, NEUROGENIC; WNK1-Related HSAN2 (HSAN2A); MORVAN DISEASE; NEUROPATHY, CONGENITAL SENSORY; NEUROPATHY, HEREDITARY SENSORY RADICULAR, AUTOSOMAL RECESSIVE. Identifiers: Orphanet 970, MedGen C2752089, MONDO:0024309, OMIM 201300.
Generalized epilepsy with febrile seizures plus, type 7 (GEFSP7). Also called: GEFS+, TYPE 7. Identifiers: Orphanet 36387, MedGen C2751778, MONDO:0013470, OMIM 613863.

Submission:

Labcorp Genetics (formerly Invitae), Labcorp
Classification: Pathogenic for Neuropathy, hereditary sensory and autonomic, type 2A; Generalized epilepsy with febrile seizures plus, type 7. Last evaluated: 2023-05-16. Review status: criteria provided, single submitter. Criteria: Invitae Variant Classification Sherloc (09022015). Collection method: clinical testing. Allele origin: germline.
Comment: For these reasons, this variant has been classified as Pathogenic. This variant has not been reported in the literature in individuals affected with SCN9A-related conditions. This variant is not present in population databases (gnomAD no frequency). This sequence change creates a premature translational stop signal (p.Arg510*) in the SCN9A gene. It is expected to result in an absent or disrupted protein product. Loss-of-function variants in SCN9A are known to be pathogenic (PMID: 17470132, 19304393).

Literature cited by the submitters: PubMed 17470132; PubMed 19304393.